The following is an entry in ClinVar:

ClinVar aggregate classification (germline): Likely pathogenic (1 of 4 stars; one submission).

Conditions:
NAD(P)HX dehydratase deficiency. Also called: Encephalopathy, progressive, early-onset, with brain edema and/or leukoencephalopathy, 2. Identifiers: Orphanet 555402, MedGen C5193026, MONDO:0034121, OMIM 618321.

gnomAD v4.1: 10 of 1,614,140 alleles (0.00062%); highest among the groups gnomAD compares: Non-Finnish European, 0.00076%; no homozygotes.

Submission:

Neuberg Centre For Genomic Medicine, NCGM
Classification: Likely pathogenic for NAD(P)HX dehydratase deficiency. Last evaluated: 2023-05-20. Review status: criteria provided, single submitter. Criteria: ACMG Guidelines, 2015. Collection method: clinical testing. Allele origin: germline. Inheritance: Autosomal recessive inheritance. Affected: yes.
Comment: The observed stop gained variant c.514C>T(p.Gln172Ter) in NAXD gene has not been reported previously as a pathogenic variant nor as a benign variant, to our knowledge. The c.514C>T variant is absent in gnomAD Exomes. Computational evidence (MutationTaster - Disease causing) predicts damaging effect on protein structure and function for this variant.This variant is predicted to cause loss of normal protein function through protein truncation. Loss of function variants have been previously reported to be disease causing (Van Bergen et al., 2019). For these reasons, this variant has been classified as Likely Pathogenic. In the absence of another reportable variant, the molecular diagnosis is not confirmed.

NM_001242882.2(NAXD):c.514C>T (p.Gln172Ter)

Gene: NAXD (NAD(P)HX dehydratase; plus strand). Cytogenetic location: 13q34.
Variant type: single nucleotide variant.
Coding change: c.514C>T on transcript NM_001242882.2 (MANE Select); coding-DNA position 514, C replaced by T.
Protein change: p.Gln172Ter; replaces glutamine 172 with a stop codon.
Molecular consequence: nonsense. On other transcripts: non-coding transcript variant (2).
Genome position (GRCh38, 1-based): chr13:110,634,693, C>T. VCF-style: chr13-110634693-C-T. GRCh37 (hg19) VCF-style: chr13-111287040-C-T.
Other names: c.568C>T, p.Gln190Ter (NM_001242881.2, NM_018210.4); c.238C>T, p.Gln80Ter (NM_001242883.2); short protein forms Q172*, Q190*, Q80*.
Identifiers: ClinVar variation 3341304 (VCV003341304.1).